The following is an entry in ClinVar:

NM_002168.4(IDH2):c.686C>A (p.Ser229Ter)

Gene: IDH2 (isocitrate dehydrogenase (NADP(+)) 2; minus strand). Cytogenetic location: 15q26.1.
Variant type: single nucleotide variant.
Coding change: c.686C>A on transcript NM_002168.4 (MANE Select); coding-DNA position 686, C replaced by A.
Protein change: p.Ser229Ter; replaces serine 229 with a stop codon.
Molecular consequence: nonsense.
Genome position (GRCh38, 1-based): chr15:90,087,568, G>T on the plus strand (C>A on the coding strand, the complement: IDH2 is on the minus strand). VCF-style: chr15-90087568-G-T. GRCh37 (hg19) VCF-style: chr15-90630800-G-T.
Other names: c.530C>A, p.Ser177Ter (NM_001289910.1); c.296C>A, p.Ser99Ter (NM_001290114.2); short protein forms S177*, S229*, S99*.
Identifiers: ClinVar variation 5040034 (VCV005040034.1).
Genomic context (GRCh38, chr15:90,087,568, plus strand): 5'-CTCATGTACAGCGGCCATTTCTTCTGGATGGCATACTGGAAGCAGCTGTGCGCAAAACCT[G>T]AGATGGACTGCAGGGGGAGAGACAGGGCCCTGGCGTGGTGCCCTAGCCTGGCGATTGCCG-3'

ClinVar aggregate classification (germline): Likely pathogenic (1 of 4 stars; one submission).

Submission:

CeGaT Center for Human Genetics Tuebingen
Classification: Likely pathogenic. Last evaluated: 2026-07-01. Review status: criteria provided, single submitter. Criteria: CeGaT Center For Human Genetics Tuebingen Variant Classification Criteria Version 2. Collection method: clinical testing. Allele origin: germline. Affected: yes. Observed: 1 variant allele.
Comment: IDH2: PVS1:Strong, PM2